The following is an entry in ClinVar:

NM_002485.5(NBN):c.1845+1G>A

Gene: NBN (nibrin; minus strand). Cytogenetic location: 8q21.3.
Variant type: single nucleotide variant.
Coding change: c.1845+1G>A on transcript NM_002485.5 (MANE Select); the canonical splice donor site of the intron after coding-DNA position 1845, G replaced by A.
Molecular consequence: splice donor variant.
Genome position (GRCh38, 1-based): chr8:89,953,243, C>T on the plus strand (G>A on the coding strand, the complement: NBN is on the minus strand). VCF-style: chr8-89953243-C-T. GRCh37 (hg19) VCF-style: chr8-90965471-C-T.
Other names: NM_002485.5:c.1845+1G>A; c.1599+1G>A (NM_001024688.3).
Identifiers: ClinVar variation 1338734 (VCV001338734.13), dbSNP rs2129695663, ClinGen allele CA371654960.

ClinVar aggregate classification (germline): Likely pathogenic. Review status: criteria provided, multiple submitters, no conflicts (2 of 4 stars). 3 submissions from 3 submitters: Likely pathogenic (3). Last evaluated 2024-03-26.

Conditions:
Aplastic anemia. Identifiers: Orphanet 182040, Orphanet 88, MedGen C0002874, MONDO:0015909, OMIM 609135, HP:0001915.
Acute lymphoid leukemia (ALL). Also called: Lymphoblastic leukemia; Acute lymphoblastic leukemia; Acute lymphocytic leukemia; Leukemia, acute lymphoblastic, somatic. Identifiers: Orphanet 513, MedGen C0023449, MONDO:0004967, OMIM 613065, HP:0006721.
Microcephaly, normal intelligence and immunodeficiency (NBS). Also called: Nijmegen breakage syndrome; Microcephaly with normal intelligence immunodeficiency and lymphoreticular malignancies; Nonsyndromal microcephaly autosomal recessive with normal intelligence; Seemanova syndrome 2; IMMUNODEFICIENCY, MICROCEPHALY, AND CHROMOSOMAL INSTABILITY; SEEMANOVA SYNDROME II. Identifiers: Orphanet 647, MedGen C0398791, MONDO:0009623, OMIM 251260.
Hereditary cancer-predisposing syndrome. Also called: Hereditary Cancer Syndrome; Hereditary neoplastic syndrome; Neoplastic Syndromes, Hereditary; Tumor predisposition. Identifiers: Orphanet 140162, MedGen C0027672, MeSH D009386, MONDO:0015356.

gnomAD v4.1: 1 of 1,587,210 alleles (0.000063%); no homozygotes.

Submissions (5):

Fulgent Genetics
Classification: Likely pathogenic for Microcephaly, normal intelligence and immunodeficiency; Aplastic anemia; Acute lymphoid leukemia. Last evaluated: 2024-03-26. Review status: criteria provided, single submitter. Criteria: ACMG Guidelines, 2015. Collection method: clinical testing. Allele origin: germline.

Ambry Genetics
Classification: Likely pathogenic for Hereditary cancer-predisposing syndrome. Last evaluated: 2022-12-27. Review status: criteria provided, single submitter. Criteria: Ambry Variant Classification Scheme 2023. Collection method: clinical testing. Allele origin: germline.
Comment: The c.1845+1G>A intronic variant results from a G to A substitution one nucleotide after coding exon 11 of the NBN gene. This nucleotide position is highly conserved in available vertebrate species. In silico splice site analysis predicts that this alteration will weaken the native splice donor site; however, direct evidence is insufficient at this time (Ambry internal data). Alterations that disrupt the canonical splice site are expected to cause aberrant splicing, resulting in an abnormal protein or a transcript that is subject to nonsense-mediated mRNA decay. As such, this alteration is classified as likely pathogenic.

Labcorp Genetics (formerly Invitae), Labcorp
Classification: Likely pathogenic for Microcephaly, normal intelligence and immunodeficiency. Last evaluated: 2022-06-02. Review status: criteria provided, single submitter. Criteria: Invitae Variant Classification Sherloc (09022015). Collection method: clinical testing. Allele origin: germline.
Comment: In summary, the currently available evidence indicates that the variant is pathogenic, but additional data are needed to prove that conclusively. Therefore, this variant has been classified as Likely Pathogenic. Algorithms developed to predict the effect of sequence changes on RNA splicing suggest that this variant may disrupt the consensus splice site. ClinVar contains an entry for this variant (Variation ID: 1338734). This variant has not been reported in the literature in individuals affected with NBN-related conditions. This variant is not present in population databases (gnomAD no frequency). This sequence change affects a donor splice site in intron 11 of the NBN gene. It is expected to disrupt RNA splicing. Variants that disrupt the donor or acceptor splice site typically lead to a loss of protein function (PMID: 16199547), and loss-of-function variants in NBN are known to be pathogenic (PMID: 9590180, 16415040).

Dr. Peter K. Rogan Lab, Western University
No classification provided (evidence only). Condition: Papillary renal cell carcinoma type 1. Review status: no classification provided. Collection method: in vitro. Allele origin: not applicable. Functional consequence: retained intron. Not counted in ClinVar's aggregate classification.

MutSpliceDB: a database of splice sites variants effects on splicing, NIH
No classification provided (evidence only). Review status: no classification provided. Collection method: in vivo. Allele origin: not applicable. Functional consequence: retained intron. Not counted in ClinVar's aggregate classification.

Literature cited by the submitters: PubMed 16199547 (cited by Labcorp Genetics (formerly Invitae), Labcorp); PubMed 9590180 (cited by Labcorp Genetics (formerly Invitae), Labcorp); PubMed 16415040 (cited by Labcorp Genetics (formerly Invitae), Labcorp).